The following is an entry in ClinVar:

NM_001382567.1(STIM1):c.1887G>T (p.Glu629Asp)

Genes: STIM1 (stromal interaction molecule 1; plus strand), LOC124418421 (Sharpr-MPRA regulatory region 9588; plus strand). Cytogenetic location: 11p15.4.
Variant type: single nucleotide variant.
Coding change: c.1887G>T on transcript NM_001382567.1 (MANE Select); coding-DNA position 1887, G replaced by T.
Protein change: p.Glu629Asp; replaces glutamic acid 629 with aspartic acid.
Molecular consequence: missense variant. On other transcripts: 3 prime UTR variant (4), non-coding transcript variant (3).
Genome position (GRCh38, 1-based): chr11:4,091,534, G>T. VCF-style: chr11-4091534-G-T. GRCh37 (hg19) VCF-style: chr11-4112764-G-T.
Other names: c.2112G>T, p.Glu704Asp (NM_001277961.3); c.*208G>T (NM_001277962.2, NM_001382578.1, NM_001382579.1 and 1 more transcripts); c.1890G>T, p.Glu630Asp (NM_001382566.1); c.1815G>T, p.Glu605Asp (NM_001382568.1); c.1659G>T, p.Glu553Asp (NM_001382569.1); c.1566G>T, p.Glu522Asp (NM_001382570.1); c.1314G>T, p.Glu438Asp (NM_001382571.1); c.1572G>T, p.Glu524Asp (NM_001382575.1, NM_001382576.1, NM_001382577.1); and 2 more; short protein forms E435D, E553D, E629D, E438D, E522D, E598D, E605D, E704D.
Identifiers: ClinVar variation 4783675 (VCV004783675.1).

ClinVar aggregate classification (germline): Uncertain significance (1 of 4 stars; one submission).

Conditions:
Stormorken syndrome (STRMK). Also called: THROMBOCYTOPATHY, ASPLENIA, AND MIOSIS. Identifiers: Orphanet 3204, MedGen C1861451, MONDO:0008497, OMIM 185070.
Combined immunodeficiency due to STIM1 deficiency. Also called: IMMUNODEFICIENCY 10; STIM1 DEFICIENCY. Identifiers: Orphanet 169090, Orphanet 317430, MedGen C2748557, MONDO:0013008, OMIM 612783.
Myopathy with tubular aggregates (TAM). Also called: Tubular Aggregate Myopathy. Identifiers: Orphanet 2593, MedGen C0410207, MONDO:0008051.

Submission:

Labcorp Genetics (formerly Invitae), Labcorp
Classification: Uncertain significance for Myopathy with tubular aggregates; Combined immunodeficiency due to STIM1 deficiency; Stormorken syndrome. Last evaluated: 2025-07-14. Review status: criteria provided, single submitter. Criteria: Invitae Variant Classification Sherloc (09022015). Collection method: clinical testing. Allele origin: germline.
Comment: This sequence change replaces glutamic acid, which is acidic and polar, with aspartic acid, which is acidic and polar, at codon 598 of the STIM1 protein (p.Glu598Asp). This variant is not present in population databases (gnomAD no frequency). This variant has not been reported in the literature in individuals affected with STIM1-related conditions. Invitae Evidence Modeling of protein sequence and biophysical properties (such as structural, functional, and spatial information, amino acid conservation, physicochemical variation, residue mobility, and thermodynamic stability) has been performed for this missense variant. However, the output from this modeling did not meet the statistical confidence thresholds required to predict the impact of this variant on STIM1 protein function. In summary, the available evidence is currently insufficient to determine the role of this variant in disease. Therefore, it has been classified as a Variant of Uncertain Significance.